The following is an entry in ClinVar:

ClinVar aggregate classification (germline): Uncertain significance (1 of 4 stars; one submission).

Allele frequency attached by ClinVar (database versions not stated): gnomAD 0.00001; TOPMed 0.00001; ExAC 0.00003.
gnomAD v4.1: 34 of 1,612,754 alleles (0.0021%); highest among the groups gnomAD compares: Middle Eastern, 0.016%; no homozygotes.

Submission:

Labcorp Genetics (formerly Invitae), Labcorp
Classification: Uncertain significance. Last evaluated: 2024-10-14. Review status: criteria provided, single submitter. Criteria: Invitae Variant Classification Sherloc (09022015). Collection method: clinical testing. Allele origin: germline.
Comment: This sequence change replaces threonine, which is neutral and polar, with alanine, which is neutral and non-polar, at codon 503 of the LRRC8A protein (p.Thr503Ala). This variant is present in population databases (rs748366547, gnomAD 0.006%). This variant has not been reported in the literature in individuals affected with LRRC8A-related conditions. ClinVar contains an entry for this variant (Variation ID: 2175696). An algorithm developed to predict the effect of missense changes on protein structure and function (PolyPhen-2) suggests that this variant is likely to be disruptive. In summary, the available evidence is currently insufficient to determine the role of this variant in disease. Therefore, it has been classified as a Variant of Uncertain Significance.

NM_019594.4(LRRC8A):c.1507A>G (p.Thr503Ala)

Gene: LRRC8A (leucine rich repeat containing 8 VRAC subunit A; plus strand). Cytogenetic location: 9q34.11.
Variant type: single nucleotide variant.
Coding change: c.1507A>G on transcript NM_019594.4 (MANE Select); coding-DNA position 1507, A replaced by G.
Protein change: p.Thr503Ala; replaces threonine 503 with alanine.
Molecular consequence: missense variant.
Genome position (GRCh38, 1-based): chr9:128,908,671, A>G. VCF-style: chr9-128908671-A-G. GRCh37 (hg19) VCF-style: chr9-131670950-A-G.
Other names: c.1507A>G, p.Thr503Ala (NM_001127244.2, NM_001127245.2); short protein forms T503A.
Identifiers: ClinVar variation 2175696 (VCV002175696.4), dbSNP rs748366547, ClinGen allele CA5270900.
Genomic context (GRCh38, chr9:128,908,671, plus strand): 5'-ATTGAAGCGCCCGCGCTGGCCTTCCTGCGTGAGAACCTGCGGGCGCTGCACATCAAGTTC[A>G]CCGACATCAAGGAGATCCCGCTGTGGATCTATAGCCTGAAGACACTGGAGGAGCTGCACC-3'
Protein context (NP_062540.2, residues 493-513): ENLRALHIKF[Thr503Ala]DIKEIPLWIY